The following is an entry in ClinVar:

ClinVar aggregate classification (germline): Uncertain significance (1 of 4 stars; one submission).

Submission:

GeneDx
Classification: Uncertain significance. Last evaluated: 2022-12-28. Review status: criteria provided, single submitter. Criteria: GeneDx Variant Classification Process June 2021. Collection method: clinical testing. Allele origin: germline. Affected: yes.
Comment: Not observed at significant frequency in large population cohorts (gnomAD); In silico analysis supports that this missense variant does not alter protein structure/function; Has not been previously published as pathogenic or benign to our knowledge

NM_032590.5(KDM2B):c.2134G>C (p.Glu712Gln)

Gene: KDM2B (lysine demethylase 2B; minus strand). Cytogenetic location: 12q24.31.
Variant type: single nucleotide variant.
Coding change: c.2134G>C on transcript NM_032590.5 (MANE Select); coding-DNA position 2134, G replaced by C.
Protein change: p.Glu712Gln; replaces glutamic acid 712 with glutamine.
Molecular consequence: missense variant.
Genome position (GRCh38, 1-based): chr12:121,444,506, C>G on the plus strand (G>C on the coding strand, the complement: KDM2B is on the minus strand). VCF-style: chr12-121444506-C-G. GRCh37 (hg19) VCF-style: chr12-121882309-C-G.
Other names: c.2041G>C, p.Glu681Gln (NM_001005366.2); short protein forms E681Q, E712Q.
Identifiers: ClinVar variation 2507113 (VCV002507113.1), dbSNP rs2547499225, ClinGen allele CA386975596.
Genomic context (GRCh38, chr12:121,444,506, plus strand): 5'-TCACTTTCCCGGTCTTGCCGGCGTGGTTACACTTCGGACACTCCCAGCAGTTTGGAAGCT[C>G]GTCGTTGACCACACCCTCTGACTCCTTAATCTGCGGGGAACACCAGGACTCAGAAGAGGG-3'
Protein context (NP_115979.3, residues 702-722): IKESEGVVND[Glu712Gln]LPNCWECPKC